The following is an entry in ClinVar:

NM_000059.4(BRCA2):c.6408_6414del (p.Asn2137fs)

Gene: BRCA2 (BRCA2 DNA repair associated; plus strand). Cytogenetic location: 13q13.1.
Variant type: Deletion.
Coding change: c.6408_6414del on transcript NM_000059.4 (MANE Select); coding-DNA positions 6408 to 6414, 7 bases deleted (AAATGTT; older notation c.6408_6414delAAATGTT).
Protein change: p.Asn2137fs; shifts the reading frame from asparagine 2137.
Molecular consequence: frameshift variant.
Genome position (GRCh38, 1-based): chr13:32,340,763-32,340,769, AAATGTT deleted; deleting any 7 consecutive bases within chr13:32,340,761-32,340,769 gives the same sequence; the c. name uses the placement nearest the transcript's 3' end. VCF-style (leftmost placement, unchanged base first): chr13-32340760-CTTAAATG-C. GRCh37 (hg19) VCF-style: chr13-32914897-CTTAAATG-C.
Other names: c.6408_6414delAAATGTT (NM_000059.3).
Identifiers: ClinVar variation 52086 (VCV000052086.27), dbSNP rs397507851, ClinGen allele CA024006.

ClinVar aggregate classification (germline): Pathogenic. Review status: reviewed by expert panel (3 of 4 stars). 12 submissions from 12 submitters: Pathogenic (1). 11 of the submissions do not count toward it. Last evaluated 2016-09-08.

Conditions:
Malignant tumor of pancreas. Also called: Cancer of the pancreas; Pancreatic cancer; Malignant pancreatic neoplasm. Identifiers: MedGen C0346647, MONDO:0009831.
BRCA2-related disorder. Also called: BRCA2-related condition; BRCA2-related disorders. Identifiers: MedGen CN239275.
Hereditary cancer-predisposing syndrome. Also called: Tumor predisposition; Neoplastic Syndromes, Hereditary; Hereditary neoplastic syndrome; Hereditary Cancer Syndrome. Identifiers: Orphanet 140162, MedGen C0027672, MeSH D009386, MONDO:0015356.
Hereditary breast ovarian cancer syndrome. Also called: Hereditary breast and ovarian cancer; BRCA1- and BRCA2-Associated Hereditary Breast and Ovarian Cancer; Hereditary breast and/or ovarian cancer syndrome; Hereditary breast and ovarian cancer syndrome; Breast and ovarian cancer; Hereditary breast and ovarian cancer syndrome (HBOC). Identifiers: Orphanet 145, MedGen C0677776, MeSH D061325, MONDO:0003582. Disease mechanism: loss of function.
Breast-ovarian cancer, familial, susceptibility to, 2 (BROVCA2). Also called: BRCA2 Hereditary Breast and Ovarian Cancer. Identifiers: Orphanet 145, MedGen C2675520, MONDO:0012933, OMIM 612555. Disease mechanism: loss of function.
Familial cancer of breast. Also called: BREAST CANCER, FAMILIAL; hereditary breast carcinoma; Hereditary breast cancer. Identifiers: Orphanet 227535, MedGen C0346153, MONDO:0016419, OMIM 114480. Disease mechanism: loss of function.

Submissions (12):

Evidence-based Network for the Interpretation of Germline Mutant Alleles (ENIGMA)
Classification: Pathogenic for Breast-ovarian cancer, familial, susceptibility to, 2. Last evaluated: 2016-09-08. Review status: reviewed by expert panel. Criteria: ENIGMA BRCA1/2 Classification Criteria (2015). Collection method: curation. Allele origin: germline.
Comment: Variant allele predicted to encode a truncated non-functional protein.

Labcorp Genetics (formerly Invitae), Labcorp
Classification: Pathogenic for Hereditary breast ovarian cancer syndrome. Last evaluated: 2026-01-05. Review status: criteria provided, single submitter. Criteria: Invitae Variant Classification Sherloc (09022015). Collection method: clinical testing. Allele origin: germline. Not counted in ClinVar's aggregate classification.
Comment: This sequence change creates a premature translational stop signal (p.Asn2137Lysfs*29) in the BRCA2 gene. It is expected to result in an absent or disrupted protein product. Loss-of-function variants in BRCA2 are known to be pathogenic (PMID: 20104584). This variant is not present in population databases (gnomAD no frequency). This premature translational stop signal has been observed in individual(s) with prostate cancer and breast and ovarian cancer (PMID: 20380699, 24549055, 25066507, 26360800, 28724667). This variant is also known as 6636delAAATGTT and c.6406_6412del. ClinVar contains an entry for this variant (Variation ID: 52086). For these reasons, this variant has been classified as Pathogenic.

Ambry Genetics
Classification: Pathogenic for Hereditary cancer-predisposing syndrome. Last evaluated: 2024-12-30. Review status: criteria provided, single submitter. Criteria: Ambry Variant Classification Scheme 2023. Collection method: clinical testing. Allele origin: germline. Not counted in ClinVar's aggregate classification.
Comment: The c.6408_6414delAAATGTT pathogenic mutation, located in coding exon 10 of the BRCA2 gene, results from a deletion of 7 nucleotides at nucleotide positions 6408 to 6414, causing a translational frameshift with a predicted alternate stop codon (p.N2137Kfs*29). This mutations has been reported in an Estonian family affected with breast, ovarian, prostate and gastric cancers, a Danish family with multiple cases of prostate cancer and an individual with both male breast cancer and prostate cancer, and in a cohort of 8085 consecutive unselected Chinese breast cancer patients who underwent multi-gene panel testing (Tamboom K et al. Hered Cancer Clin Pract. 2010 Apr 9;8(1):4; Roed Nielsen H et al. Acta Oncol. 2016 Sep;55:38-44; Sun J et al. Clin. Cancer Res. 2017 Oct;23:6113-6119). Of note, this alteration is also designated as c.6631delTTAAATG and c.6406_6412del in published literature. This variant is considered to be rare based on population cohorts in the Genome Aggregation Database (gnomAD). In addition to the clinical data presented in the literature, this alteration is expected to result in loss of function by premature protein truncation or nonsense-mediated mRNA decay. As such, this alteration is interpreted as a disease-causing mutation.

Blueprint Genetics
Classification: Pathogenic for BRCA2-related disorders. Last evaluated: 2024-07-31. Review status: criteria provided, single submitter. Criteria: ACMG Guidelines, 2015. Collection method: clinical testing. Allele origin: germline. Affected: yes. Observed: 1 variant allele. Not counted in ClinVar's aggregate classification.

Department of Clinical Genetics, Copenhagen University Hospital, Rigshospitalet
Classification: Pathogenic for Breast-ovarian cancer, familial, susceptibility to, 2. Last evaluated: 2024-05-27. Review status: criteria provided, single submitter. Criteria: ACMG Guidelines, 2015. Collection method: clinical testing. Allele origin: germline. Affected: yes. Not counted in ClinVar's aggregate classification.
Comment: PVS1; PM2_supporting; PM5_PTC_Strong

Baylor Genetics
Classification: Pathogenic for Familial cancer of breast. Last evaluated: 2023-10-18. Review status: criteria provided, single submitter. Criteria: ACMG Guidelines, 2015. Collection method: clinical testing. Allele origin: unknown. Not counted in ClinVar's aggregate classification.

Color Diagnostics, LLC DBA Color Health
Classification: Pathogenic for Hereditary cancer-predisposing syndrome. Last evaluated: 2022-02-04. Review status: criteria provided, single submitter. Criteria: ACMG Guidelines, 2015. Collection method: clinical testing. Allele origin: germline. Not counted in ClinVar's aggregate classification.
Comment: This variant deletes 7 nucleotides in exon 11 of the BRCA2 gene, creating a frameshift and premature translation stop signal. This variant is also known as 6636delAAATGTT, c.6406_6412del, and c.6631delTTAAATG in the literature. This variant is expected to result in an absent or non-functional protein product. This variant has been reported in individuals affected with breast, ovarian, and prostate cancer (PMID: 20380699, 24549055, 25066507, 26360800, 28724667, 32772980, 34680878), and has been identified in 8 families among the CIMBA participants (PMID: 29446198). This variant has not been identified in the general population by the Genome Aggregation Database (gnomAD). Loss of BRCA2 function is a known mechanism of disease. Based on the available evidence, this variant is classified as Pathogenic.

Quest Diagnostics Nichols Institute San Juan Capistrano
Classification: Pathogenic. Last evaluated: 2020-09-29. Review status: criteria provided, single submitter. Criteria: Quest Diagnostics criteria. Collection method: clinical testing. Allele origin: unknown. Not counted in ClinVar's aggregate classification.
Comment: This frameshift variant causes the premature termination of BRCA2 protein synthesis. In addition, it has been reported in individuals affected with breast, ovarian, and prostate cancer in the published literature (PMIDs: 20380699 (2010), 26360800 (2016), 28724667 (2017), and 29446198 (2018)). Therefore, the variant is classified as pathogenic.

Women's Health and Genetics/Laboratory Corporation of America, LabCorp
Classification: Pathogenic for Hereditary breast and ovarian cancer syndrome. Last evaluated: 2019-11-27. Review status: criteria provided, single submitter. Criteria: LabCorp Variant Classification Summary - May 2015. Collection method: clinical testing. Allele origin: germline. Not counted in ClinVar's aggregate classification.
Comment: Variant summary: BRCA2 c.6408_6414delAAATGTT (p.Asn2137LysfsX29) results in a premature termination codon, predicted to cause a truncation of the encoded protein or absence of the protein due to nonsense mediated decay, which are commonly known mechanisms for disease. The variant was absent in 240454 control chromosomes (gnomAD). c.6408_6414delAAATGTT has been reported in the literature in individuals affected with Hereditary Breast and Ovarian Cancer (e.g. Tamboom_2010, Rebbeck_2018). These data indicate that the variant is likely to be associated with disease. To our knowledge, no experimental evidence demonstrating an impact on protein function has been reported. Five submitters, including one expert panel (ENIGMA) have provided clinical-significance assessments for this variant in ClinVar after 2014 (without evidence for independent evaluation), and all of them classified the variant as pathogenic. Based on the evidence outlined above, the variant was classified as pathogenic.

3DMed Clinical Laboratory Inc
Classification: Pathogenic for Cancer of the pancreas. Last evaluated: 2017-12-06. Review status: criteria provided, single submitter. Criteria: ACMG Guidelines, 2015. Collection method: clinical testing. Allele origin: germline. Affected: yes. Not counted in ClinVar's aggregate classification.

Consortium of Investigators of Modifiers of BRCA1/2 (CIMBA), c/o University of Cambridge
Classification: Pathogenic for Breast-ovarian cancer, familial, susceptibility to, 2. Last evaluated: 2015-10-02. Review status: criteria provided, single submitter. Criteria: CIMBA Mutation Classification guidelines May 2016. Collection method: clinical testing. Allele origin: germline. Not counted in ClinVar's aggregate classification.

Genesis Genomics
Classification: Pathogenic for Breast-ovarian cancer, familial, susceptibility to, 2. Review status: criteria provided, single submitter. Criteria: ACMG Guidelines, 2015. Collection method: clinical testing. Allele origin: germline. Affected: no. Observed: 1 variant allele. Not counted in ClinVar's aggregate classification.

Literature cited by the submitters: PubMed 20104584 (cited by Labcorp Genetics (formerly Invitae), Labcorp); PubMed 20380699 (cited by 5 submitters); PubMed 24549055 (cited by Labcorp Genetics (formerly Invitae), Labcorp and Color Diagnostics, LLC DBA Color Health); PubMed 25066507 (cited by Labcorp Genetics (formerly Invitae), Labcorp and Color Diagnostics, LLC DBA Color Health); PubMed 26360800 (cited by 4 submitters); PubMed 28724667 (cited by 4 submitters); PubMed 29446198 (cited by 3 submitters); PubMed 32772980 (cited by Color Diagnostics, LLC DBA Color Health); PubMed 34680878 (cited by Color Diagnostics, LLC DBA Color Health); PubMed 15145354 (cited by 3DMed Clinical Laboratory Inc).